The following is an entry in ClinVar:

ClinVar aggregate classification (germline): Uncertain significance. Review status: criteria provided, multiple submitters, no conflicts (2 of 4 stars). 6 submissions from 4 submitters: Uncertain significance (6). Last evaluated 2025-03-15.

Conditions:
Catecholaminergic polymorphic ventricular tachycardia 1. Also called: VENTRICULAR TACHYCARDIA, CATECHOLAMINERGIC POLYMORPHIC, 1, WITH OR WITHOUT ATRIAL DYSFUNCTION AND/OR DILATED CARDIOMYOPATHY; VENTRICULAR TACHYCARDIA, STRESS-INDUCED POLYMORPHIC 1; RYR2-Related Catecholaminergic Polymorphic Ventricular Tachycardia. Identifiers: Orphanet 3286, MedGen C1631597, MONDO:0011484, OMIM 604772.
Arrhythmogenic right ventricular dysplasia 2. Identifiers: MedGen C1832931.
Ventricular arrhythmias due to cardiac ryanodine receptor calcium release deficiency syndrome. Also called: Autosomal dominant cardiac arrhythmia (Kuhn). Identifiers: MedGen C5542154, MONDO:0020745, OMIM 115000.
Cardiomyopathy (CMYO). Also called: Cardiomyopathies. Identifiers: Orphanet 167848, MedGen C0878544, MONDO:0004994, HP:0001638. Inheritance: Various modes of inheritance.

Submissions (6):

Labcorp Genetics (formerly Invitae), Labcorp
Classification: Uncertain significance for Catecholaminergic polymorphic ventricular tachycardia 1. Last evaluated: 2025-03-15. Review status: criteria provided, single submitter. Criteria: Invitae Variant Classification Sherloc (09022015). Collection method: clinical testing. Allele origin: germline.
Comment: This sequence change replaces phenylalanine, which is neutral and non-polar, with serine, which is neutral and polar, at codon 2304 of the RYR2 protein (p.Phe2304Ser). This variant is not present in population databases (gnomAD no frequency). This variant has not been reported in the literature in individuals affected with RYR2-related conditions. ClinVar contains an entry for this variant (Variation ID: 1332608). Invitae Evidence Modeling of protein sequence and biophysical properties (such as structural, functional, and spatial information, amino acid conservation, physicochemical variation, residue mobility, and thermodynamic stability) indicates that this missense variant is expected to disrupt RYR2 protein function with a positive predictive value of 95%. In summary, the available evidence is currently insufficient to determine the role of this variant in disease. Therefore, it has been classified as a Variant of Uncertain Significance.

Color Diagnostics, LLC DBA Color Health
Classification: Uncertain significance for Cardiomyopathy. Last evaluated: 2024-03-06. Review status: criteria provided, single submitter. Criteria: ACMG Guidelines, 2015. Collection method: clinical testing. Allele origin: germline.
Comment: This missense variant replaces phenylalanine with serine at codon 2304 of the RYR2 protein. Computational prediction suggests that this variant may have deleterious impact on protein structure and function (internally defined REVEL score threshold >= 0.7, PMID: 27666373). To our knowledge, functional studies have not been reported for this variant. This variant has not been reported in individuals affected with cardiovascular disorders in the literature. This variant has not been identified in the general population by the Genome Aggregation Database (gnomAD). The available evidence is insufficient to determine the role of this variant in disease conclusively. Therefore, this variant is classified as a Variant of Uncertain Significance.

Fulgent Genetics
Classification: Uncertain significance for Ventricular arrhythmias due to cardiac ryanodine receptor calcium release deficiency syndrome; Catecholaminergic polymorphic ventricular tachycardia 1. Last evaluated: 2021-11-12. Review status: criteria provided, single submitter. Criteria: ACMG Guidelines, 2015. Collection method: clinical testing. Allele origin: unknown.

Baylor Genetics
Classification: Uncertain significance for Catecholaminergic polymorphic ventricular tachycardia 1. Last evaluated: 2021-02-21. Review status: criteria provided, single submitter. Criteria: ACMG Guidelines, 2015. Collection method: clinical testing. Allele origin: unknown.

Baylor Genetics
Classification: Uncertain significance for Ventricular arrhythmias due to cardiac ryanodine receptor calcium release deficiency syndrome. Last evaluated: 2021-02-21. Review status: criteria provided, single submitter. Criteria: ACMG Guidelines, 2015. Collection method: clinical testing. Allele origin: unknown.

Baylor Genetics
Classification: Uncertain significance for Catecholaminergic polymorphic ventricular tachycardia 1. Last evaluated: 2021-02-21. Review status: criteria provided, single submitter. Criteria: ACMG Guidelines, 2015. Collection method: clinical testing. Allele origin: unknown.

NM_001035.3(RYR2):c.6911T>C (p.Phe2304Ser)

Gene: RYR2 (ryanodine receptor 2; plus strand). Cytogenetic location: 1q43.
Variant type: single nucleotide variant.
Coding change: c.6911T>C on transcript NM_001035.3 (MANE Select); coding-DNA position 6911, T replaced by C.
Protein change: p.Phe2304Ser; replaces phenylalanine 2304 with serine.
Molecular consequence: missense variant.
Genome position (GRCh38, 1-based): chr1:237,638,475, T>C. VCF-style: chr1-237638475-T-C. GRCh37 (hg19) VCF-style: chr1-237801775-T-C.
Other names: short protein forms F2304S.
Identifiers: ClinVar variation 1332608 (VCV001332608.14), dbSNP rs2148724464, ClinGen allele CA345395677.